The following is an entry in ClinVar:

ClinVar aggregate classification (germline): Likely benign (1 of 4 stars; one submission).

Submission:

CeGaT Center for Human Genetics Tuebingen
Classification: Likely benign. Last evaluated: 2025-09-01. Review status: criteria provided, single submitter. Criteria: CeGaT Center For Human Genetics Tuebingen Variant Classification Criteria Version 2. Collection method: clinical testing. Allele origin: germline. Affected: yes. Observed: 1 variant allele.
Comment: TARS3: PM2:Supporting, BP4, BP7

NM_152334.3(TARS3):c.624G>C (p.Leu208=)

Gene: TARS3 (threonyl-tRNA synthetase 3; minus strand). Cytogenetic location: 15q26.3.
Variant type: single nucleotide variant.
Coding change: c.624G>C on transcript NM_152334.3 (MANE Select); coding-DNA position 624, G replaced by C.
Protein change: p.Leu208=; no amino-acid change (leucine 208 retained).
Molecular consequence: synonymous variant.
Genome position (GRCh38, 1-based): chr15:101,714,906, C>G on the plus strand (G>C on the coding strand, the complement: TARS3 is on the minus strand). VCF-style: chr15-101714906-C-G. GRCh37 (hg19) VCF-style: chr15-102255109-C-G.
Identifiers: ClinVar variation 4281567 (VCV004281567.7).
Genomic context (GRCh38, chr15:101,714,906, plus strand): 5'-AGCTTCCTCATTATCAAATGTAAGCAGCTCTAGAGAAGAGTCCCCTTCCAATGGGCGGTC[C>G]AGGTCCCACAGTTCACCATTGACTTTGGCTATTACCGTGCTTTCAGCCAGTTCCTGACTA-3'
Protein context (NP_689547.2, residues 198-218): IAKVNGELWD[Leu208=]DRPLEGDSSL